The following is an entry in ClinVar:

NM_007294.4(BRCA1):c.4693G>C (p.Glu1565Gln)

Gene: BRCA1 (BRCA1 DNA repair associated; minus strand). Cytogenetic location: 17q21.31.
Variant type: single nucleotide variant.
Coding change: c.4693G>C on transcript NM_007294.4 (MANE Select); coding-DNA position 4693, G replaced by C.
Protein change: p.Glu1565Gln; replaces glutamic acid 1565 with glutamine.
Molecular consequence: missense variant. On other transcripts: non-coding transcript variant (1).
Genome position (GRCh38, 1-based): chr17:43,071,221, C>G on the plus strand (G>C on the coding strand, the complement: BRCA1 is on the minus strand). VCF-style: chr17-43071221-C-G. GRCh37 (hg19) VCF-style: chr17-41223238-C-G.
Other names: c.4552G>C, p.Glu1518Gln (NM_001407692.1, NM_001407694.1, NM_001407695.1 and 13 more transcripts); c.4549G>C, p.Glu1517Gln (NM_001407732.1, NM_001407733.1, NM_001407734.1 and 21 more transcripts); c.4546G>C, p.Glu1516Gln (NM_001407838.1, NM_001407839.1, NM_001407841.1 and 12 more transcripts); c.4693G>C, p.Glu1565Gln (NM_001407854.1, NM_001407593.1, NM_001407594.1 and 8 more transcripts); c.4690G>C, p.Glu1564Gln (NM_001407858.1, NM_001407859.1, NM_001407860.1 and 17 more transcripts); c.4687G>C, p.Glu1563Gln (NM_001407861.1, NM_001407627.1, NM_001407628.1 and 14 more transcripts); c.4492G>C, p.Glu1498Gln (NM_001407862.1); c.4567G>C, p.Glu1523Gln (NM_001407863.1, NM_001407939.1, NM_001407940.1 and 11 more transcripts); and 70 more; short protein forms E1411Q, E1437Q, E1454Q, E1522Q, E1545Q, E1560Q, E1564Q, E1565Q.
Identifiers: ClinVar variation 1742492 (VCV001742492.2), dbSNP rs863224762, ClinGen allele CA10592126.
Genomic context (GRCh38, chr17:43,071,221, plus strand): 5'-GGGCTCTGTCTTCAGAAGGATCAGATTCAGGGTCATCAGAGAAGAGGCTGATTCCAGATT[C>G]CAGGTAAGGGGTTCCCTCTGAAAGGAATGGGAGAAGTTTAATTTACACAACGATGAATGT-3'
Protein context (NP_009225.1, residues 1555-1575): RQDLEGTPYL[Glu1565Gln]SGISLFSDDP

ClinVar aggregate classification (germline): Uncertain significance (1 of 4 stars; one submission).

Conditions:
Hereditary cancer-predisposing syndrome. Also called: Hereditary Cancer Syndrome; Hereditary neoplastic syndrome; Neoplastic Syndromes, Hereditary; Tumor predisposition. Identifiers: Orphanet 140162, MedGen C0027672, MeSH D009386, MONDO:0015356.

Submission:

Ambry Genetics
Classification: Uncertain significance for Hereditary cancer-predisposing syndrome. Last evaluated: 2020-02-06. Review status: criteria provided, single submitter. Criteria: Ambry Variant Classification Scheme 2023. Collection method: clinical testing. Allele origin: germline.
Comment: The p.E1565Q variant (also known as c.4693G>C), located in coding exon 14 of the BRCA1 gene, results from a G to C substitution at nucleotide position 4693. The glutamic acid at codon 1565 is replaced by glutamine, an amino acid with highly similar properties. This amino acid position is not well conserved in available vertebrate species. In addition, the in silico prediction for this alteration is inconclusive. Since supporting evidence is limited at this time, the clinical significance of this alteration remains unclear.